The following is an entry in ClinVar:

NM_001170629.2(CHD8):c.6563G>A (p.Gly2188Glu)

Gene: CHD8 (chromodomain helicase DNA binding protein 8; minus strand). Cytogenetic location: 14q11.2.
Variant type: single nucleotide variant.
Coding change: c.6563G>A on transcript NM_001170629.2 (MANE Select); coding-DNA position 6563, G replaced by A.
Protein change: p.Gly2188Glu; replaces glycine 2188 with glutamic acid.
Molecular consequence: missense variant.
Genome position (GRCh38, 1-based): chr14:21,392,715, C>T on the plus strand (G>A on the coding strand, the complement: CHD8 is on the minus strand). VCF-style: chr14-21392715-C-T. GRCh37 (hg19) VCF-style: chr14-21860874-C-T.
Other names: c.5726G>A, p.Gly1909Glu (NM_020920.4); short protein forms G2188E, G1909E.
Identifiers: ClinVar variation 1349696 (VCV001349696.6), dbSNP rs2139444897, ClinGen allele CA388878624.

ClinVar aggregate classification (germline): Uncertain significance (1 of 4 stars; one submission).

Allele frequency attached by ClinVar (database versions not stated): gnomAD exomes below 0.00001.
gnomAD v4.1: 4 of 1,613,992 alleles (0.00025%); highest among the groups gnomAD compares: Non-Finnish European, 0.00034%; no homozygotes.

Submission:

Labcorp Genetics (formerly Invitae), Labcorp
Classification: Uncertain significance. Last evaluated: 2024-04-05. Review status: criteria provided, single submitter. Criteria: Invitae Variant Classification Sherloc (09022015). Collection method: clinical testing. Allele origin: germline.
Comment: This sequence change replaces glycine, which is neutral and non-polar, with glutamic acid, which is acidic and polar, at codon 2188 of the CHD8 protein (p.Gly2188Glu). This variant is not present in population databases (gnomAD no frequency). This variant has not been reported in the literature in individuals affected with CHD8-related conditions. ClinVar contains an entry for this variant (Variation ID: 1349696). An algorithm developed to predict the effect of missense changes on protein structure and function (PolyPhen-2) suggests that this variant is likely to be disruptive. In summary, the available evidence is currently insufficient to determine the role of this variant in disease. Therefore, it has been classified as a Variant of Uncertain Significance.